The following is an entry in ClinVar:

NM_002495.4(NDUFS4):c.440T>C (p.Ile147Thr)

Gene: NDUFS4 (NADH:ubiquinone oxidoreductase subunit S4; plus strand). Cytogenetic location: 5q11.2.
Variant type: single nucleotide variant.
Coding change: c.440T>C on transcript NM_002495.4 (MANE Select); coding-DNA position 440, T replaced by C.
Protein change: p.Ile147Thr; replaces isoleucine 147 with threonine.
Molecular consequence: missense variant. On other transcripts: 3 prime UTR variant (1), non-coding transcript variant (3).
Genome position (GRCh38, 1-based): chr5:53,683,133, T>C. VCF-style: chr5-53683133-T-C. GRCh37 (hg19) VCF-style: chr5-52978963-T-C.
Other names: c.*3T>C (NM_001318051.2); short protein forms I147T.
Identifiers: ClinVar variation 1397549 (VCV001397549.6), dbSNP rs746256245, ClinGen allele CA359719340.

ClinVar aggregate classification (germline): Uncertain significance (1 of 4 stars; one submission).

Allele frequency attached by ClinVar (database versions not stated): gnomAD exomes below 0.00001.
gnomAD v4.1: 1 of 1,605,324 alleles (0.000062%); highest among the groups gnomAD compares: South Asian, 0.0011%; no homozygotes.

Submission:

Labcorp Genetics (formerly Invitae), Labcorp
Classification: Uncertain significance. Last evaluated: 2025-01-27. Review status: criteria provided, single submitter. Criteria: Invitae Variant Classification Sherloc (09022015). Collection method: clinical testing. Allele origin: germline.
Comment: This sequence change replaces isoleucine, which is neutral and non-polar, with threonine, which is neutral and polar, at codon 147 of the NDUFS4 protein (p.Ile147Thr). This variant is not present in population databases (gnomAD no frequency). This variant has not been reported in the literature in individuals affected with NDUFS4-related conditions. ClinVar contains an entry for this variant (Variation ID: 1397549). An algorithm developed to predict the effect of missense changes on protein structure and function (PolyPhen-2) suggests that this variant is likely to be tolerated. In summary, the available evidence is currently insufficient to determine the role of this variant in disease. Therefore, it has been classified as a Variant of Uncertain Significance.